The following is an entry in ClinVar:

ClinVar aggregate classification (germline): Likely pathogenic (1 of 4 stars; one submission).

Conditions:
Colorectal cancer, susceptibility to, 12 (CRCS12). Also called: COLORECTAL CANCER, SUSCEPTIBILITY TO, ON CHROMOSOME 12q24. Identifiers: Orphanet 220460, MedGen C3554460, MONDO:0014038, OMIM 615083.

Submission:

Labcorp Genetics (formerly Invitae), Labcorp
Classification: Likely pathogenic for Colorectal cancer, susceptibility to, 12. Last evaluated: 2022-07-05. Review status: criteria provided, single submitter. Criteria: Invitae Variant Classification Sherloc (09022015). Collection method: clinical testing. Allele origin: germline.
Comment: This variant results in a copy number gain of the genomic region encompassing exon(s) 43 of the POLE gene. While the exact position of this variant cannot be determined from the data, sub-genic copy number gains are generally in tandem (PMID: 25640679). This variant is predicted to be out-of-frame, and may result in an absent or disrupted protein product. Loss-of-function variants in POLE are known to be pathogenic (PMID: 23230001, 25948378, 30503519). This variant has not been reported in the literature in individuals affected with POLE-related conditions. In summary, the currently available evidence indicates that the variant is pathogenic, but additional data are needed to prove that conclusively. Therefore, this variant has been classified as Likely Pathogenic.

Literature cited by the submitters: PubMed 25640679; PubMed 23230001; PubMed 25948378; PubMed 30503519.

NC_000012.11:g.(?_133210752)_(133210984_?)dup

Gene: POLE (DNA polymerase epsilon, catalytic subunit; minus strand). Cytogenetic location: 12q24.33.
Variant type: Duplication.
Identifiers: ClinVar variation 2425543 (VCV002425543.3).